The following is an entry in ClinVar:

NM_022168.4(IFIH1):c.2850G>T (p.Lys950Asn)

Gene: IFIH1 (interferon induced with helicase C domain 1; minus strand). Cytogenetic location: 2q24.2.
Variant type: single nucleotide variant.
Coding change: c.2850G>T on transcript NM_022168.4 (MANE Select); coding-DNA position 2850, G replaced by T.
Protein change: p.Lys950Asn; replaces lysine 950 with asparagine.
Molecular consequence: missense variant.
Genome position (GRCh38, 1-based): chr2:162,267,527, C>A on the plus strand (G>T on the coding strand, the complement: IFIH1 is on the minus strand). VCF-style: chr2-162267527-C-A. GRCh37 (hg19) VCF-style: chr2-163124037-C-A.
Other names: short protein forms K950N.
Identifiers: ClinVar variation 1392616 (VCV001392616.6), dbSNP rs2105187036, ClinGen allele CA348989815.

ClinVar aggregate classification (germline): Uncertain significance (1 of 4 stars; one submission).

Conditions:
Aicardi-Goutieres syndrome 7 (AGS7). Identifiers: Orphanet 51, MedGen C3888244, MONDO:0014367, OMIM 615846.
Singleton-Merten syndrome 1 (SGMRT1). Also called: Widened medullary cavities of bone, aortic calcification, abnormal dentition, and muscular weakness; Syndrome of widened medullary cavities of the metacarpals and phalanges, aortic calcification and abnormal dentition. Identifiers: Orphanet 85191, MedGen C4225427, MONDO:0024535, OMIM 182250.

gnomAD v4.1: 16 of 1,613,884 alleles (0.00099%); highest among the groups gnomAD compares: Non-Finnish European, 0.0014%; no homozygotes.

Submission:

Labcorp Genetics (formerly Invitae), Labcorp
Classification: Uncertain significance for Aicardi-Goutieres syndrome 7; Singleton-Merten syndrome 1. Last evaluated: 2021-11-11. Review status: criteria provided, single submitter. Criteria: Invitae Variant Classification Sherloc (09022015). Collection method: clinical testing. Allele origin: germline.
Comment: In summary, the available evidence is currently insufficient to determine the role of this variant in disease. Therefore, it has been classified as a Variant of Uncertain Significance. Algorithms developed to predict the effect of missense changes on protein structure and function (SIFT, PolyPhen-2, Align-GVGD) all suggest that this variant is likely to be tolerated. This variant has not been reported in the literature in individuals affected with IFIH1-related conditions. This variant is not present in population databases (gnomAD no frequency). This sequence change replaces lysine, which is basic and polar, with asparagine, which is neutral and polar, at codon 950 of the IFIH1 protein (p.Lys950Asn).